The following is an entry in ClinVar:

NM_001205293.3(CACNA1E):c.5810C>T (p.Ser1937Leu)

Gene: CACNA1E (calcium voltage-gated channel subunit alpha1 E; plus strand). Cytogenetic location: 1q25.3.
Variant type: single nucleotide variant.
Coding change: c.5810C>T on transcript NM_001205293.3 (MANE Select); coding-DNA position 5810, C replaced by T.
Protein change: p.Ser1937Leu; replaces serine 1937 with leucine.
Molecular consequence: missense variant.
Genome position (GRCh38, 1-based): chr1:181,790,468, C>T. VCF-style: chr1-181790468-C-T. GRCh37 (hg19) VCF-style: chr1-181759604-C-T.
Other names: c.5810C>T, p.Ser1937Leu (NM_000721.4); c.5753C>T, p.Ser1918Leu (NM_001205294.2); short protein forms S1918L, S1937L.
Identifiers: ClinVar variation 2983332 (VCV002983332.4), dbSNP rs1007685928, ClinGen allele CA33855420.

ClinVar aggregate classification (germline): Uncertain significance. Review status: criteria provided, multiple submitters, no conflicts (2 of 4 stars). 2 submissions from 2 submitters: Uncertain significance (2). Last evaluated 2025-09-10.

Conditions:
Developmental and epileptic encephalopathy, 69. Also called: EPILEPTIC ENCEPHALOPATHY, EARLY INFANTILE, 69. Identifiers: MedGen C4748988, MONDO:0032657, OMIM 618285.

Allele frequency attached by ClinVar (database versions not stated): gnomAD exomes 0.00001.
gnomAD v4.1: 14 of 1,611,898 alleles (0.00087%); highest among the groups gnomAD compares: Middle Eastern, 0.049%; no homozygotes.

Submissions (2):

Genomic Medicine Center of Excellence, King Faisal Specialist Hospital and Research Centre
Classification: Uncertain significance for Developmental and epileptic encephalopathy, 69. Last evaluated: 2025-09-10. Review status: criteria provided, single submitter. Criteria: ACMG Guidelines, 2015. Collection method: clinical testing. Allele origin: germline.

Labcorp Genetics (formerly Invitae), Labcorp
Classification: Uncertain significance. Last evaluated: 2024-10-03. Review status: criteria provided, single submitter. Criteria: Invitae Variant Classification Sherloc (09022015). Collection method: clinical testing. Allele origin: germline.
Comment: This sequence change replaces serine, which is neutral and polar, with leucine, which is neutral and non-polar, at codon 1937 of the CACNA1E protein (p.Ser1937Leu). The frequency data for this variant in the population databases is considered unreliable, as metrics indicate poor data quality at this position in the gnomAD database. This variant has not been reported in the literature in individuals affected with CACNA1E-related conditions. Invitae Evidence Modeling of protein sequence and biophysical properties (such as structural, functional, and spatial information, amino acid conservation, physicochemical variation, residue mobility, and thermodynamic stability) indicates that this missense variant is not expected to disrupt CACNA1E protein function with a negative predictive value of 95%. Algorithms developed to predict the effect of sequence changes on RNA splicing suggest that this variant may create or strengthen a splice site. In summary, the available evidence is currently insufficient to determine the role of this variant in disease. Therefore, it has been classified as a Variant of Uncertain Significance.